The following is an entry in ClinVar:

NM_015662.3(IFT172):c.1417C>G (p.Leu473Val)

Gene: IFT172 (intraflagellar transport 172; minus strand). Cytogenetic location: 2p23.3.
Variant type: single nucleotide variant.
Coding change: c.1417C>G on transcript NM_015662.3 (MANE Select); coding-DNA position 1417, C replaced by G.
Protein change: p.Leu473Val; replaces leucine 473 with valine.
Molecular consequence: missense variant.
Genome position (GRCh38, 1-based): chr2:27,472,357, G>C on the plus strand (C>G on the coding strand, the complement: IFT172 is on the minus strand). VCF-style: chr2-27472357-G-C. GRCh37 (hg19) VCF-style: chr2-27695224-G-C.
Other names: c.1417C>G (NM_015662.2); short protein forms L473V.
Identifiers: ClinVar variation 1425194 (VCV001425194.7), dbSNP rs772607856, ClinGen allele CA1580649.

ClinVar aggregate classification (germline): Uncertain significance. Review status: criteria provided, multiple submitters, no conflicts (2 of 4 stars). 4 submissions from 4 submitters: Uncertain significance (4). Last evaluated 2025-03-06.

Conditions:
Bardet-Biedl syndrome 20. Identifiers: MedGen C4310707, MONDO:0023670, OMIM 619471, MONDO:0014926.
Short-rib thoracic dysplasia 10 with or without polydactyly (SRTD10). Identifiers: Orphanet 474, MedGen C3810175, MONDO:0014284, OMIM 615630.
Retinitis pigmentosa 71 (RP71). Identifiers: Orphanet 791, MedGen C4225342, MONDO:0014618, OMIM 616394.
IFT172-related disorder. Also called: IFT172-related disorders; IFT172-related condition.

Allele frequency attached by ClinVar (database versions not stated): ExAC 0.00001; gnomAD exomes 0.00001.
gnomAD v4.1: 5 of 1,613,192 alleles (0.00031%); highest among the groups gnomAD compares: South Asian, 0.0033%; no homozygotes.

Submissions (4):

PreventionGenetics, part of Exact Sciences
Classification: Uncertain significance for IFT172-related condition. Last evaluated: 2025-03-06. Review status: criteria provided, single submitter. Criteria: ACMG Guidelines, 2015. Collection method: clinical testing. Allele origin: germline.
Comment: The IFT172 c.1417C>G variant is predicted to result in the amino acid substitution p.Leu473Val. To our knowledge, this variant has not been reported in the literature. This variant is reported in 0.0065% of alleles in individuals of South Asian descent in gnomAD. At this time, the clinical significance of this variant is uncertain due to the absence of conclusive functional and genetic evidence.

Labcorp Genetics (formerly Invitae), Labcorp
Classification: Uncertain significance for Retinitis pigmentosa 71; Short-rib thoracic dysplasia 10 with or without polydactyly. Last evaluated: 2022-09-01. Review status: criteria provided, single submitter. Criteria: Invitae Variant Classification Sherloc (09022015). Collection method: clinical testing. Allele origin: germline.
Comment: In summary, the available evidence is currently insufficient to determine the role of this variant in disease. Therefore, it has been classified as a Variant of Uncertain Significance. Algorithms developed to predict the effect of missense changes on protein structure and function are either unavailable or do not agree on the potential impact of this missense change (SIFT: "Deleterious"; PolyPhen-2: "Probably Damaging"; Align-GVGD: "Class C0"). ClinVar contains an entry for this variant (Variation ID: 1425194). This variant has not been reported in the literature in individuals affected with IFT172-related conditions. This variant is present in population databases (rs772607856, gnomAD 0.007%). This sequence change replaces leucine, which is neutral and non-polar, with valine, which is neutral and non-polar, at codon 473 of the IFT172 protein (p.Leu473Val).

Blueprint Genetics
Classification: Uncertain significance. Last evaluated: 2022-06-08. Review status: criteria provided, single submitter. Criteria: ACMG Guidelines, 2015. Collection method: clinical testing. Allele origin: germline.

Fulgent Genetics
Classification: Uncertain significance for Short-rib thoracic dysplasia 10 with or without polydactyly; Retinitis pigmentosa 71; Bardet-Biedl syndrome 20. Last evaluated: 2022-05-12. Review status: criteria provided, single submitter. Criteria: ACMG Guidelines, 2015. Collection method: clinical testing. Allele origin: unknown.